The following is an entry in ClinVar:

NM_000083.3(CLCN1):c.2933_2934del (p.Thr978fs)

Gene: CLCN1 (chloride voltage-gated channel 1; plus strand). Cytogenetic location: 7q34.
Variant type: Microsatellite.
Coding change: c.2933_2934del on transcript NM_000083.3 (MANE Select); coding-DNA positions 2933 to 2934, 2 bases deleted (CA; older notation c.2933_2934delCA).
Protein change: p.Thr978fs; shifts the reading frame from threonine 978.
Molecular consequence: frameshift variant. On other transcripts: non-coding transcript variant (1).
Genome position (GRCh38, 1-based): chr7:143,351,931-143,351,932, CA deleted; deleting any 2 consecutive bases within chr7:143,351,929-143,351,932 gives the same sequence; the c. name uses the placement nearest the transcript's 3' end. VCF-style (leftmost placement, unchanged base first): chr7-143351928-CCA-C. GRCh37 (hg19) VCF-style: chr7-143049021-CCA-C.
Other names: short protein forms T978fs.
Identifiers: ClinVar variation 452902 (VCV000452902.2), dbSNP rs778865730, ClinGen allele CA4537816.

ClinVar aggregate classification (germline): Uncertain significance (1 of 4 stars; one submission).

Submission:

GeneDx
Classification: Uncertain significance. Last evaluated: 2017-10-19. Review status: criteria provided, single submitter. Criteria: GeneDx Variant Classification (06012015). Collection method: clinical testing. Allele origin: germline. Affected: yes.
Comment: The c.2933_2934delCA variant is not observed in large population cohorts (Lek et al., 2016). The c.2933_2934delCA variant causes a frameshift starting with codon Threonine 978, changes this amino acid to an Arginine residue and creates a premature Stop codon at position 5 of the new reading frame, denoted p.Thr978ArgfsX5. This variant is predicted to cause loss of normal protein function through protein truncation as the last 11 amino acids of the CLCN1 protein are replaced by 4 incorrect amino acids. However, frameshift variants downstream of the c.2933_2934delCA have not been reported in the Human Gene Mutation Database in association with CLCN1-related disorders (Stenson et al., 2014).